The following is an entry in ClinVar:

ClinVar aggregate classification (germline): Uncertain significance (1 of 4 stars; one submission).

Conditions:
Juvenile polyposis syndrome (JPS). Identifiers: Orphanet 2929, MedGen C0345893, MONDO:0017380, OMIM 174900.

Submission:

Labcorp Genetics (formerly Invitae), Labcorp
Classification: Uncertain significance for Juvenile polyposis syndrome. Last evaluated: 2022-08-03. Review status: criteria provided, single submitter. Criteria: Invitae Variant Classification Sherloc (09022015). Collection method: clinical testing. Allele origin: germline.
Comment: This sequence change replaces tyrosine, which is neutral and polar, with phenylalanine, which is neutral and non-polar, at codon 103 of the BMPR1A protein (p.Tyr103Phe). This variant is not present in population databases (gnomAD no frequency). This variant has not been reported in the literature in individuals affected with BMPR1A-related conditions. Advanced modeling of protein sequence and biophysical properties (such as structural, functional, and spatial information, amino acid conservation, physicochemical variation, residue mobility, and thermodynamic stability) performed at Invitae indicates that this missense variant is not expected to disrupt BMPR1A protein function. In summary, the available evidence is currently insufficient to determine the role of this variant in disease. Therefore, it has been classified as a Variant of Uncertain Significance.

NM_004329.3(BMPR1A):c.308A>T (p.Tyr103Phe)

Gene: BMPR1A (bone morphogenetic protein receptor type 1A; plus strand). Cytogenetic location: 10q23.2.
Variant type: single nucleotide variant.
Coding change: c.308A>T on transcript NM_004329.3 (MANE Select); coding-DNA position 308, A replaced by T.
Protein change: p.Tyr103Phe; replaces tyrosine 103 with phenylalanine.
Molecular consequence: missense variant.
Genome position (GRCh38, 1-based): chr10:86,892,204, A>T. VCF-style: chr10-86892204-A-T. GRCh37 (hg19) VCF-style: chr10-88651961-A-T.
Other names: c.308A>T, p.Tyr103Phe (NM_001406559.1, NM_001406560.1, NM_001406561.1 and 23 more transcripts); c.224A>T, p.Tyr75Phe (NM_001406584.1, NM_001406585.1, NM_001406586.1 and 2 more transcripts); short protein forms Y103F, Y75F.
Identifiers: ClinVar variation 1714880 (VCV001714880.6), dbSNP rs2539446393, ClinGen allele CA377448229.
Genomic context (GRCh38, chr10:86,892,204, plus strand): 5'-TTGCCATCATAGAAGAAGATGACCAGGGAGAAACCACATTAGCTTCAGGGTGTATGAAAT[A>T]TGAAGGATCTGATTTTCAGTGCAAAGTAAGATATAATTTGGGACCCATGAGACAAAGAAG-3'
Protein context (NP_004320.2, residues 93-113): ETTLASGCMK[Tyr103Phe]EGSDFQCKDS